The following is an entry in ClinVar:

ClinVar aggregate classification (germline): Uncertain significance. Review status: criteria provided, multiple submitters, no conflicts (2 of 4 stars). 2 submissions from 2 submitters: Uncertain significance (2). Last evaluated 2025-08-08.

Conditions:
Cardiovascular phenotype. Identifiers: MedGen CN230736.
Aortic valve disease 2 (AOVD2). Identifiers: MedGen C3542024, MONDO:0013902, OMIM 614823.

Allele frequency attached by ClinVar (database versions not stated): gnomAD exomes below 0.00001; TOPMed below 0.00001.
gnomAD v4.1: 5 of 1,614,222 alleles (0.00031%); highest among the groups gnomAD compares: Admixed American, 0.005%; no homozygotes.

Submissions (2):

Ambry Genetics
Classification: Uncertain significance for Cardiovascular phenotype. Last evaluated: 2025-08-08. Review status: criteria provided, single submitter. Criteria: Ambry Variant Classification Scheme 2023. Collection method: clinical testing. Allele origin: germline.

Labcorp Genetics (formerly Invitae), Labcorp
Classification: Uncertain significance for Aortic valve disease 2. Last evaluated: 2023-07-24. Review status: criteria provided, single submitter. Criteria: Invitae Variant Classification Sherloc (09022015). Collection method: clinical testing. Allele origin: germline.
Comment: This variant is present in population databases (no rsID available, gnomAD 0.0009%). This sequence change replaces aspartic acid, which is acidic and polar, with glycine, which is neutral and non-polar, at codon 240 of the TBX5 protein (p.Asp240Gly). This variant has not been reported in the literature in individuals affected with TBX5-related conditions. In summary, the available evidence is currently insufficient to determine the role of this variant in disease. Therefore, it has been classified as a Variant of Uncertain Significance. Advanced modeling of protein sequence and biophysical properties (such as structural, functional, and spatial information, amino acid conservation, physicochemical variation, residue mobility, and thermodynamic stability) performed at Invitae indicates that this missense variant is not expected to disrupt TBX5 protein function. ClinVar contains an entry for this variant (Variation ID: 2082188).

NM_181486.4(TBX5):c.719A>G (p.Asp240Gly)

Gene: TBX5 (T-box transcription factor 5; minus strand). Cytogenetic location: 12q24.21.
Variant type: single nucleotide variant.
Coding change: c.719A>G on transcript NM_181486.4 (MANE Select); coding-DNA position 719, A replaced by G.
Protein change: p.Asp240Gly; replaces aspartic acid 240 with glycine.
Molecular consequence: missense variant.
Genome position (GRCh38, 1-based): chr12:114,385,512, T>C on the plus strand (A>G on the coding strand, the complement: TBX5 is on the minus strand). VCF-style: chr12-114385512-T-C. GRCh37 (hg19) VCF-style: chr12-114823317-T-C.
Other names: c.719A>G, p.Asp240Gly (NM_000192.3); c.569A>G, p.Asp190Gly (NM_080717.4); short protein forms D240G, D190G.
Identifiers: ClinVar variation 2082188 (VCV002082188.5), dbSNP rs1343244000, ClinGen allele CA386859639.
Genomic context (GRCh38, chr12:114,385,512, plus strand): 5'-AAGTTGAGGAATCCACTTTCCTACCTTTGCATTCTTGACATTCTGTGCAGCTCCATGTCA[T>C]CACTGCCCCGAAATCCTTTGGCAAAGGGATTATTCTCAATCTTTAATTGCGTGATCTGAA-3'
Protein context (NP_852259.1, residues 230-250): NPFAKGFRGS[Asp240Gly]DMELHRMSRM